The following is an entry in ClinVar:

NM_000179.3(MSH6):c.1822A>G (p.Ile608Val)

Gene: MSH6 (mutS homolog 6; plus strand). Cytogenetic location: 2p16.3.
Variant type: single nucleotide variant.
Coding change: c.1822A>G on transcript NM_000179.3 (MANE Select); coding-DNA position 1822, A replaced by G.
Protein change: p.Ile608Val; replaces isoleucine 608 with valine.
Molecular consequence: missense variant.
Genome position (GRCh38, 1-based): chr2:47,799,805, A>G. VCF-style: chr2-47799805-A-G. GRCh37 (hg19) VCF-style: chr2-48026944-A-G.
Other names: p.I608V:ATT>GTT; p.Ile608Val; c.1432A>G, p.Ile478Val (NM_001281492.2); c.916A>G, p.Ile306Val (NM_001281493.2, NM_001281494.2); short protein forms I608V, I306V, I478V.
Identifiers: ClinVar variation 182626 (VCV000182626.41), dbSNP rs201613780, ClinGen allele CA009270.

ClinVar aggregate classification (germline): Conflicting classifications of pathogenicity. Review status: criteria provided, conflicting classifications (1 of 4 stars). 14 submissions from 14 submitters: Uncertain significance (11); Likely benign (2). 1 of the submissions does not count toward it. Last evaluated 2026-08-27.

Conditions:
MSH6-related disorder. Also called: MSH6-related condition; MSH6-Related disorders.
Hereditary nonpolyposis colorectal neoplasms. Identifiers: MedGen C0009405, MeSH D003123.
Hereditary cancer-predisposing syndrome. Also called: Neoplastic Syndromes, Hereditary; Tumor predisposition; Hereditary neoplastic syndrome; Hereditary Cancer Syndrome. Identifiers: Orphanet 140162, MedGen C0027672, MeSH D009386, MONDO:0015356.
Lynch syndrome. Identifiers: Orphanet 144, MedGen C4552100, MONDO:0005835. Disease mechanism: loss of function.
Lynch syndrome 5 (LYNCH5). Also called: Colorectal cancer, hereditary nonpolyposis, type 5; Hereditary non-polyposis colorectal cancer, type 5. Identifiers: Orphanet 144, MedGen C1833477, MONDO:0013710, OMIM 614350. Disease mechanism: loss of function.

Allele frequency attached by ClinVar (database versions not stated): ExAC 0.00001; gnomAD 0.00003; TOPMed 0.00003; ESP Exome Variant Server 0.00008.
gnomAD v4.1: 100 of 1,614,126 alleles (0.0062%); highest among the groups gnomAD compares: Non-Finnish European, 0.0077%; no homozygotes.

Submissions 1 to 10 of 14:

PreventionGenetics, part of Exact Sciences
Classification: Uncertain significance for MSH6-related condition. Last evaluated: 2026-08-27. Review status: criteria provided, single submitter. Criteria: ACMG Guidelines, 2015. Collection method: clinical testing. Allele origin: germline.
Comment: The MSH6 c.1822A>G variant is predicted to result in the amino acid substitution p.Ile608Val. This variant has been reported in a cohort study of patients with suspected lynch syndrome (Yurgelun et al. 2015. PubMed ID: 25980754. Table S2). This variant has also been reported in individuals with no known cancers (Tsai et al. 2018. PubMed ID: 30374176. Suppl. Data). This variant is reported in 0.0054% of alleles in individuals of European (Non-Finnish) descent in gnomAD. In ClinVar, this variant has conflicting interpretations of likely benign and uncertain significance (Variation ID: 182626). At this time, the clinical significance of this variant is uncertain due to the absence of conclusive functional and genetic evidence.

Labcorp Genetics (formerly Invitae), Labcorp
Classification: Likely benign for Hereditary nonpolyposis colorectal neoplasms. Last evaluated: 2025-10-09. Review status: criteria provided, single submitter. Criteria: Invitae Variant Classification Sherloc (09022015). Collection method: clinical testing. Allele origin: germline.

Helix
Classification: Uncertain significance for Lynch syndrome 5. Last evaluated: 2025-07-17. Review status: criteria provided, single submitter. Criteria: ACMG Guidelines, 2015. Collection method: clinical testing. Allele origin: germline. Inheritance: Autosomal dominant inheritance.
Comment: This variant (NM_000179.3:c.1822A>G p.Ile608Val) results in the substitution of isoleucine with valine at codon 608 in the MSH6 protein. It is present in the gnomAD population database (v4.1) at the highest allele frequency in the European (non-Finnish) subpopulation among non-founder subpopulations (91/1180042 alleles, 0.0077%). This variant has been reported in individual(s) with a personal and/or family history of MSH6-related conditions; in at least one family, the variant segregated with disease (PMID: 25980754, 30374176). In silico prediction from the HCI Database of Prior Probabilities of Pathogenicity suggests that this variant may be benign. This variant is present in ClinVar (Accession: VCV000182626.38). In conclusion, since the available evidence is limited, the clinical significance of this variant is unclear at this time. Therefore, it is classified as a Variant of Uncertain Significance.

Molecular Pathology, Peter Maccallum Cancer Centre
Classification: Uncertain significance for Lynch syndrome 5. Last evaluated: 2025-01-14. Review status: criteria provided, single submitter. Criteria: ACMG Guidelines, 2015. Collection method: clinical testing. Allele origin: germline. Inheritance: Autosomal dominant inheritance.

Quest Diagnostics Nichols Institute San Juan Capistrano
Classification: Uncertain significance. Last evaluated: 2024-06-05. Review status: criteria provided, single submitter. Criteria: Quest Diagnostics criteria. Collection method: clinical testing. Allele origin: unknown.
Comment: The MSH6 c.1822A>G (p.Ile608Val) variant has been reported in the published literature in an individual with a Lynch Syndrome associated cancer and/or polyps (PMID: 25980754 (2015)). In a large-scale breast cancer association study, the variant was observed in an individual with breast cancer as well as in a reportedly healthy individual (PMID: 33471991 (2021), see also LOVD). The frequency of this variant in the general population, 0.000054 (7/128860 chromosomes (Genome Aggregation Database)), is uninformative in the assessment of its pathogenicity. Analysis of this variant using bioinformatics tools for the prediction of the effect of amino acid changes on protein structure and function yielded predictions that this variant is benign. Based on the available information, we are unable to determine the clinical significance of this variant.

Mayo Clinic Laboratories, Mayo Clinic
Classification: Uncertain significance. Last evaluated: 2024-05-01. Review status: criteria provided, single submitter. Criteria: ACMG Guidelines, 2015. Collection method: clinical testing. Allele origin: germline. Observed: 2 variant alleles.
Comment: BP4

Ambry Genetics
Classification: Uncertain significance for Hereditary cancer-predisposing syndrome. Last evaluated: 2024-04-11. Review status: criteria provided, single submitter. Criteria: Ambry Variant Classification Scheme 2023. Collection method: clinical testing. Allele origin: germline.
Comment: The p.I608V variant (also known as c.1822A>G), located in coding exon 4 of the MSH6 gene, results from an A to G substitution at nucleotide position 1822. The isoleucine at codon 608 is replaced by valine, an amino acid with highly similar properties. This alteration was identified in a cohort of 1260 individuals undergoing panel testing for Lynch syndrome due to having a diagnosis of a Lynch-associated cancer and/or polyps (Yurgelun MB et al. Gastroenterology. 2015 Sep;149:604-13.e20). In another study, this variant was detected in 0/165 colorectal cancer and/or polyposis patients and was identified in 1/2512 control individuals from a healthy population database (Rosenthal EA et al. Hum Genet, 2018 Oct;137:795-806). Additionally, in a study of whole-exome sequencing in patients with features of Cowden syndrome (CS) or Bannayan-Riley-Ruvalcaba syndrome (BRRS) and negative PTEN testing, this alteration was identified in 0/87 patients with CS or BRRS and 1/3476 patients from The Cancer Genome Atlas (TCGA) (Yehia L et al. PLoS Genet, 2018 04;14:e1007352). This amino acid position is poorly conserved in available vertebrate species. In addition, this alteration is predicted to be tolerated by in silico analysis. Since supporting evidence is limited at this time, the clinical significance of this alteration remains unclear.

All of Us Research Program, National Institutes of Health
Classification: Uncertain significance for Lynch syndrome. Last evaluated: 2024-01-08. Review status: criteria provided, single submitter. Criteria: ACMG Guidelines, 2015. Collection method: clinical testing. Allele origin: germline. Inheritance: Autosomal dominant inheritance. Observed: 6 variant alleles, 6 heterozygotes.
Comment: This missense variant replaces isoleucine with valine at codon 608 of the MSH6 protein. Computational prediction suggests that this variant may not impact protein structure and function (internally defined REVEL score threshold <= 0.5, PMID: 27666373). To our knowledge, functional studies have not been reported for this variant. This variant has been reported in an individual affected with Lynch syndrome-associated cancer and/or polyps (PMID: 25980754). This variant has also been identified in 8/281964 chromosomes in the general population by the Genome Aggregation Database (gnomAD). The available evidence is insufficient to determine the role of this variant in disease conclusively. Therefore, this variant is classified as a Variant of Uncertain Significance.

This study involves interpretation of variants in research participants for the purpose of population health screening. Participant phenotype was not available at the time of variant classification. Additional details can be found in publication PMID: 35346344, PMCID: PMC8962531

GeneDx
Classification: Uncertain significance. Last evaluated: 2024-01-08. Review status: criteria provided, single submitter. Criteria: GeneDx Variant Classification Process June 2021. Collection method: clinical testing. Allele origin: germline. Affected: yes.
Comment: In silico analysis supports that this missense variant does not alter protein structure/function; Observed in individuals with breast cancer, melanoma, or a Lynch-syndrome related cancer and/or polyps, as well as in unaffected control groups (PMID: 30374176, 25980754, 33471991, 30267214, 29684080); This variant is associated with the following publications: (PMID: 23621914, 30374176, 25980754, 30267214, 33471991, 29684080, 17531815, 21120944)

Color Diagnostics, LLC DBA Color Health
Classification: Uncertain significance for Hereditary cancer-predisposing syndrome. Last evaluated: 2023-10-25. Review status: criteria provided, single submitter. Criteria: ACMG Guidelines, 2015. Collection method: clinical testing. Allele origin: germline.
Comment: This missense variant replaces isoleucine with valine at codon 608 of the MSH6 protein. Computational prediction suggests that this variant may not impact protein structure and function (internally defined REVEL score threshold <= 0.5, PMID: 27666373). To our knowledge, functional studies have not been reported for this variant. This variant has been reported in an individual affected with Lynch syndrome-associated cancer and/or polyps (PMID: 25980754). This variant has also been identified in 8/281964 chromosomes in the general population by the Genome Aggregation Database (gnomAD). The available evidence is insufficient to determine the role of this variant in disease conclusively. Therefore, this variant is classified as a Variant of Uncertain Significance.